The following is an entry in ClinVar:

ClinVar aggregate classification (germline): Likely benign (1 of 4 stars; one submission).

gnomAD v4.1: 1 of 1,613,374 alleles (0.000062%); highest among the groups gnomAD compares: Non-Finnish European, 0.000085%; no homozygotes.

Submission:

CeGaT Center for Human Genetics Tuebingen
Classification: Likely benign. Last evaluated: 2026-02-01. Review status: criteria provided, single submitter. Criteria: CeGaT Center For Human Genetics Tuebingen Variant Classification Criteria Version 2. Collection method: clinical testing. Allele origin: germline. Affected: yes. Observed: 1 variant allele.
Comment: TTN: BP4, BP7

NM_001267550.2(TTN):c.11311+1629G>A

Gene: TTN (titin; minus strand). Cytogenetic location: 2q31.2.
Variant type: single nucleotide variant.
Coding change: c.11311+1629G>A on transcript NM_001267550.2 (MANE Select); 1629 bases into the intron after coding-DNA position 11311, G replaced by A.
Molecular consequence: intron variant. On other transcripts: synonymous variant (1).
Genome position (GRCh38, 1-based): chr2:178,751,495, C>T on the plus strand (G>A on the coding strand, the complement: TTN is on the minus strand). VCF-style: chr2-178751495-C-T. GRCh37 (hg19) VCF-style: chr2-179616222-C-T.
Other names: c.10905G>A, p.Leu3635= (NM_133379.5); c.10222+1629G>A (NM_003319.4); c.10798+1629G>A (NM_133437.4); c.10597+1629G>A (NM_133432.3); c.10360+1629G>A (NM_133378.4, NM_001256850.1).
Identifiers: ClinVar variation 4085618 (VCV004085618.8).